The following is an entry in ClinVar:

NM_018896.5(CACNA1G):c.4109G>A (p.Gly1370Asp)

Gene: CACNA1G (calcium voltage-gated channel subunit alpha1 G; plus strand). Cytogenetic location: 17q21.33.
Variant type: single nucleotide variant.
Coding change: c.4109G>A on transcript NM_018896.5 (MANE Select); coding-DNA position 4109, G replaced by A.
Protein change: p.Gly1370Asp; replaces glycine 1370 with aspartic acid.
Molecular consequence: missense variant. On other transcripts: non-coding transcript variant (5).
Genome position (GRCh38, 1-based): chr17:50,603,139, G>A. VCF-style: chr17-50603139-G-A. GRCh37 (hg19) VCF-style: chr17-48680500-G-A.
Other names: c.4109G>A, p.Gly1370Asp (NM_001256324.2, NM_001256325.2, NM_001256326.2 and 16 more transcripts); c.4040G>A, p.Gly1347Asp (NM_001256332.2, NM_198376.3, NM_198379.3 and 5 more transcripts); short protein forms G1347D, G1370D.
Identifiers: ClinVar variation 3253293 (VCV003253293.1), dbSNP rs1213008889.

ClinVar aggregate classification (germline): Uncertain significance (1 of 4 stars; one submission).

Allele frequency attached by ClinVar (database versions not stated): TOPMed below 0.00001.
gnomAD v4.1: 5 of 1,612,386 alleles (0.00031%); highest among the groups gnomAD compares: Admixed American, 0.0033%; no homozygotes.

Submission:

GeneDx
Classification: Uncertain significance. Last evaluated: 2023-06-09. Review status: criteria provided, single submitter. Criteria: GeneDx Variant Classification Process June 2021. Collection method: clinical testing. Allele origin: germline. Affected: yes.
Comment: In silico analysis supports that this missense variant has a deleterious effect on protein structure/function; Has not been previously published as pathogenic or benign to our knowledge